The following is an entry in ClinVar:

NM_080425.4(GNAS):c.1792C>T (p.Arg598Cys)

Gene: GNAS (GNAS complex locus; plus strand). Cytogenetic location: 20q13.32.
Variant type: single nucleotide variant.
Coding change: c.1792C>T on transcript NM_080425.4 (MANE Plus Clinical); coding-DNA position 1792, C replaced by T.
Protein change: p.Arg598Cys; replaces arginine 598 with cysteine.
Molecular consequence: missense variant. On other transcripts: synonymous variant (2), intron variant (3).
Genome position (GRCh38, 1-based): chr20:58,855,057, C>T. VCF-style: chr20-58855057-C-T. GRCh37 (hg19) VCF-style: chr20-57430112-C-T.
Other names: c.1605C>T, p.Ile535= (NM_001077490.3, NM_001309883.1); c.1792C>T, p.Arg598Cys (NM_001410913.1); c.*42+14171C>T (NM_016592.5); c.43+14171C>T (NM_001410912.1); c.-39+13182C>T (NM_001309861.2); short protein forms R598C.
Identifiers: ClinVar variation 3238642 (VCV003238642.1), dbSNP rs1048901957.

ClinVar aggregate classification (germline): Uncertain significance (1 of 4 stars; one submission).

Conditions:
McCune-Albright syndrome (MAS). Also called: McCune-Albright syndrome, somatic, mosaic; Fibrous Dysplasia / McCune-Albright Syndrome; ALBRIGHT SYNDROME; Albright's Syndrome; Albright's disease. Identifiers: Orphanet 562, MedGen C0242292, MONDO:0018919, OMIM 174800.

gnomAD v4.1: 23 of 1,613,046 alleles (0.0014%); highest among the groups gnomAD compares: Non-Finnish European, 0.0018%; no homozygotes.

Submission:

Clinical Genomics Laboratory, Washington University in St. Louis
Classification: Uncertain significance for McCune-Albright syndrome. Last evaluated: 2024-03-08. Review status: criteria provided, single submitter. Criteria: ACMG Guidelines, 2015. Collection method: clinical testing. Allele origin: somatic.
Comment: A GNAS c.1792C>T (p.Arg598Cys) variant was identified at an allelic fraction consistent with somatic origin. This variant, to our knowledge, has not been reported in the literature in individuals with GNAS-related conditions. This variant has been reported in 2 samples in the Catalogue of Somatic Mutations in Cancer (COSMIC, Genomic Mutation ID: COSV100005332). This variant is observed on 23/1,460,658 alleles in the general population (gnomAD v4.0.0). Computational predictors suggest that the variant does not impact GNAS function. Due to limited information, and based on an internally developed protocol informed by the ACMG/AMP guidelines (Richards S et al., PMID: 25741868) and gene-specific practices from the ClinGen Criteria Specification Registry, the clinical significance of the GNAS c.1792C>T (p.Arg598Cys) variant is uncertain at this time.